The following is an entry in ClinVar:

ClinVar aggregate classification (germline): Likely benign (0 of 4 stars; one submission).

Conditions:
EHHADH-related disorder. Also called: EHHADH-related condition.

Allele frequency attached by ClinVar (database versions not stated): ExAC 0.00002; gnomAD exomes 0.00002; TOPMed 0.00002.
gnomAD v4.1: 34 of 1,613,868 alleles (0.0021%); highest among the groups gnomAD compares: Non-Finnish European, 0.0028%; no homozygotes.

Submission:

PreventionGenetics, part of Exact Sciences
Classification: Likely benign for EHHADH-related condition. Last evaluated: 2021-07-20. Review status: no assertion criteria provided. Collection method: clinical testing. Allele origin: germline.
Comment: This variant is classified as likely benign based on ACMG/AMP sequence variant interpretation guidelines (Richards et al. 2015 PMID: 25741868, with internal and published modifications).

NM_001966.4(EHHADH):c.1662T>G (p.Gly554=)

Gene: EHHADH (enoyl-CoA hydratase and 3-hydroxyacyl CoA dehydrogenase; minus strand). Cytogenetic location: 3q27.2.
Variant type: single nucleotide variant.
Coding change: c.1662T>G on transcript NM_001966.4 (MANE Select); coding-DNA position 1662, T replaced by G.
Protein change: p.Gly554=; no amino-acid change (glycine 554 retained).
Molecular consequence: synonymous variant.
Genome position (GRCh38, 1-based): chr3:185,192,736, A>C on the plus strand (T>G on the coding strand, the complement: EHHADH is on the minus strand). VCF-style: chr3-185192736-A-C. GRCh37 (hg19) VCF-style: chr3-184910524-A-C.
Other names: c.1374T>G, p.Gly458= (NM_001166415.2).
Identifiers: ClinVar variation 3046771 (VCV003046771.2), dbSNP rs764469887, ClinGen allele CA2738937.